The following is an entry in ClinVar:

ClinVar aggregate classification (germline): Uncertain significance (1 of 4 stars; one submission).

Submission:

Labcorp Genetics (formerly Invitae), Labcorp
Classification: Uncertain significance. Last evaluated: 2022-09-02. Review status: criteria provided, single submitter. Criteria: Invitae Variant Classification Sherloc (09022015). Collection method: clinical testing. Allele origin: germline.
Comment: This sequence change replaces leucine, which is neutral and non-polar, with valine, which is neutral and non-polar, at codon 17 of the NFKB1 protein (p.Leu17Val). This variant is not present in population databases (gnomAD no frequency). This variant has not been reported in the literature in individuals affected with NFKB1-related conditions. Algorithms developed to predict the effect of missense changes on protein structure and function are either unavailable or do not agree on the potential impact of this missense change (SIFT: "Deleterious"; PolyPhen-2: "Benign"; Align-GVGD: "Class C0"). In summary, the available evidence is currently insufficient to determine the role of this variant in disease. Therefore, it has been classified as a Variant of Uncertain Significance.

NM_003998.4(NFKB1):c.49T>G (p.Leu17Val)

Gene: NFKB1 (nuclear factor kappa B subunit 1; plus strand). Cytogenetic location: 4q24.
Variant type: single nucleotide variant.
Coding change: c.49T>G on transcript NM_003998.4 (MANE Select); coding-DNA position 49, T replaced by G.
Protein change: p.Leu17Val; replaces leucine 17 with valine.
Molecular consequence: missense variant.
Genome position (GRCh38, 1-based): chr4:102,529,845, T>G. VCF-style: chr4-102529845-T-G. GRCh37 (hg19) VCF-style: chr4-103451002-T-G.
Other names: c.49T>G, p.Leu17Val (NM_001165412.2, NM_001319226.2, NM_001382625.1 and 2 more transcripts); c.10T>G, p.Leu4Val (NM_001382628.1); short protein forms L17V, L4V.
Identifiers: ClinVar variation 1718644 (VCV001718644.5), dbSNP rs2476157135, ClinGen allele CA357957325.